The following is an entry in ClinVar:

ClinVar aggregate classification (germline): Uncertain significance (1 of 4 stars; one submission).

Conditions:
Hereditary sensory and autonomic neuropathy type 6. Also called: Neuropathy, hereditary sensory and autonomic, type VI; HSAN VI. Identifiers: Orphanet 314381, MedGen C3539003, MONDO:0013839, OMIM 614653.
Epidermolysis bullosa simplex 3, localized or generalized intermediate, with BP230 deficiency (EBS3). Also called: Epidermolysis bullosa simplex due to BP230 deficiency; Epidermolysis bullosa simplex, autosomal recessive 2. Identifiers: Orphanet 412181, MedGen C3809470, MONDO:0014180, OMIM 615425.

Submission:

Labcorp Genetics (formerly Invitae), Labcorp
Classification: Uncertain significance for Epidermolysis bullosa simplex 3, localized or generalized intermediate, with BP230 deficiency; Hereditary sensory and autonomic neuropathy type 6. Last evaluated: 2024-10-14. Review status: criteria provided, single submitter. Criteria: Invitae Variant Classification Sherloc (09022015). Collection method: clinical testing. Allele origin: germline.
Comment: This sequence change replaces tyrosine, which is neutral and polar, with asparagine, which is neutral and polar, at codon 865 of the DST protein (p.Tyr865Asn). This variant is not present in population databases (gnomAD no frequency). This variant has not been reported in the literature in individuals affected with DST-related conditions. ClinVar contains an entry for this variant (Variation ID: 2131534). An algorithm developed to predict the effect of missense changes on protein structure and function (PolyPhen-2) suggests that this variant is likely to be disruptive. In summary, the available evidence is currently insufficient to determine the role of this variant in disease. Therefore, it has been classified as a Variant of Uncertain Significance.

NM_001374736.1(DST):c.4204T>A (p.Tyr1402Asn)

Gene: DST (dystonin; minus strand). Cytogenetic location: 6p12.1.
Variant type: single nucleotide variant.
Coding change: c.4204T>A on transcript NM_001374736.1 (MANE Select); coding-DNA position 4204, T replaced by A.
Protein change: p.Tyr1402Asn; replaces tyrosine 1402 with asparagine.
Molecular consequence: missense variant.
Genome position (GRCh38, 1-based): chr6:56,630,322, A>T on the plus strand (T>A on the coding strand, the complement: DST is on the minus strand). VCF-style: chr6-56630322-A-T. GRCh37 (hg19) VCF-style: chr6-56495120-A-T.
Other names: c.4105T>A, p.Tyr1369Asn (NM_001144769.5); c.3691T>A, p.Tyr1231Asn (NM_001144770.2); c.4204T>A, p.Tyr1402Asn (NM_001374722.1); c.3571T>A, p.Tyr1191Asn (NM_001374729.1, NM_001374730.1, NM_001386100.1 and 1 more transcripts); c.4231T>A, p.Tyr1411Asn (NM_001374734.1); c.2593T>A, p.Tyr865Asn (NM_001723.7, NM_015548.5); short protein forms Y1369N, Y1402N, Y1191N, Y1231N, Y1411N, Y865N.
Identifiers: ClinVar variation 2131534 (VCV002131534.4), dbSNP rs2536949577, ClinGen allele CA364574189.